The following is an entry in ClinVar:

NM_001128205.2(SULF1):c.1313A>G (p.Tyr438Cys)

Gene: SULF1 (sulfatase 1; plus strand). Cytogenetic location: 8q13.3.
Variant type: single nucleotide variant.
Coding change: c.1313A>G on transcript NM_001128205.2 (MANE Select); coding-DNA position 1313, A replaced by G.
Protein change: p.Tyr438Cys; replaces tyrosine 438 with cysteine.
Molecular consequence: missense variant. On other transcripts: 5 prime UTR variant (1), non-coding transcript variant (7).
Genome position (GRCh38, 1-based): chr8:69,604,868, A>G. VCF-style: chr8-69604868-A-G. GRCh37 (hg19) VCF-style: chr8-70517103-A-G.
Other names: c.1313A>G, p.Tyr438Cys (NM_001128204.2, NM_001128206.2, NM_001412828.1 and 9 more transcripts); c.1184A>G, p.Tyr395Cys (NM_001412832.1, NM_001412838.1, NM_001412839.1 and 1 more transcripts); c.1256A>G, p.Tyr419Cys (NM_001412836.1, NM_001412837.1); c.1127A>G, p.Tyr376Cys (NM_001412841.1, NM_001412842.1); c.713A>G, p.Tyr238Cys (NM_001412844.1, NM_001412845.1); c.-479A>G (NM_001412846.1); short protein forms Y238C, Y376C, Y395C, Y419C, Y438C.
Identifiers: ClinVar variation 3624298 (VCV003624298.2).

ClinVar aggregate classification (germline): Uncertain significance (1 of 4 stars; one submission).

gnomAD v4.1: 8 of 1,614,122 alleles (0.0005%); highest among the groups gnomAD compares: Admixed American, 0.013%; no homozygotes.

Submission:

Labcorp Genetics (formerly Invitae), Labcorp
Classification: Uncertain significance. Last evaluated: 2025-03-18. Review status: criteria provided, single submitter. Criteria: Invitae Variant Classification Sherloc (09022015). Collection method: clinical testing. Allele origin: germline.
Comment: This sequence change replaces tyrosine, which is neutral and polar, with cysteine, which is neutral and slightly polar, at codon 438 of the SULF1 protein (p.Tyr438Cys). This variant is present in population databases (rs758443003, gnomAD 0.02%). This variant has not been reported in the literature in individuals affected with SULF1-related conditions. An algorithm developed to predict the effect of missense changes on protein structure and function (PolyPhen-2) suggests that this variant is likely to be disruptive. In summary, the available evidence is currently insufficient to determine the role of this variant in disease. Therefore, it has been classified as a Variant of Uncertain Significance.